The following is an entry in ClinVar:

ClinVar aggregate classification (germline): Uncertain significance (1 of 4 stars; one submission).

Submission:

Labcorp Genetics (formerly Invitae), Labcorp
Classification: Uncertain significance. Last evaluated: 2022-08-08. Review status: criteria provided, single submitter. Criteria: Invitae Variant Classification Sherloc (09022015). Collection method: clinical testing. Allele origin: germline.
Comment: This sequence change replaces isoleucine, which is neutral and non-polar, with methionine, which is neutral and non-polar, at codon 1233 of the SNRNP200 protein (p.Ile1233Met). This variant is not present in population databases (gnomAD no frequency). In summary, the available evidence is currently insufficient to determine the role of this variant in disease. Therefore, it has been classified as a Variant of Uncertain Significance. Algorithms developed to predict the effect of missense changes on protein structure and function are either unavailable or do not agree on the potential impact of this missense change (SIFT: "Deleterious"; PolyPhen-2: "Probably Damaging"; Align-GVGD: "Class C0"). This variant has not been reported in the literature in individuals affected with SNRNP200-related conditions.

NM_014014.5(SNRNP200):c.3699T>G (p.Ile1233Met)

Gene: SNRNP200 (small nuclear ribonucleoprotein U5 subunit 200; minus strand). Cytogenetic location: 2q11.2.
Variant type: single nucleotide variant.
Coding change: c.3699T>G on transcript NM_014014.5 (MANE Select); coding-DNA position 3699, T replaced by G.
Protein change: p.Ile1233Met; replaces isoleucine 1233 with methionine.
Molecular consequence: missense variant.
Genome position (GRCh38, 1-based): chr2:96,286,818, A>C on the plus strand (T>G on the coding strand, the complement: SNRNP200 is on the minus strand). VCF-style: chr2-96286818-A-C. GRCh37 (hg19) VCF-style: chr2-96952556-A-C.
Other names: short protein forms I1233M.
Identifiers: ClinVar variation 1715635 (VCV001715635.5), dbSNP rs2467328122, ClinGen allele CA347671673.